The following is an entry in ClinVar:

ClinVar aggregate classification (germline): Uncertain significance. Review status: criteria provided, multiple submitters, no conflicts (2 of 4 stars). 2 submissions from 2 submitters: Uncertain significance (2). Last evaluated 2023-04-07.

Conditions:
Charcot-Marie-Tooth disease axonal type 2C (HMSN2C). Also called: Charcot-Marie-Tooth Disease Type 2, TRPV4-Related (CMT2C); CHARCOT-MARIE-TOOTH DISEASE, AXONAL, AUTOSOMAL DOMINANT, TYPE 2C; Charcot-Marie-Tooth Neuropathy Type 2C. Identifiers: Orphanet 99937, MedGen C1853710, MONDO:0011633, OMIM 606071.

Allele frequency attached by ClinVar (database versions not stated): gnomAD exomes 0.00001.

Submissions (2):

Labcorp Genetics (formerly Invitae), Labcorp
Classification: Uncertain significance for Charcot-Marie-Tooth disease axonal type 2C. Last evaluated: 2023-04-07. Review status: criteria provided, single submitter. Criteria: Invitae Variant Classification Sherloc (09022015). Collection method: clinical testing. Allele origin: germline.
Comment: In summary, the available evidence is currently insufficient to determine the role of this variant in disease. Therefore, it has been classified as a Variant of Uncertain Significance. This variant disrupts the p.Arg271 amino acid residue in TRPV4. Other variant(s) that disrupt this residue have been determined to be pathogenic (PMID: 21964574). This suggests that this residue is clinically significant, and that variants that disrupt this residue are likely to be disease-causing. Advanced modeling of protein sequence and biophysical properties (such as structural, functional, and spatial information, amino acid conservation, physicochemical variation, residue mobility, and thermodynamic stability) has been performed at Invitae for this missense variant, however the output from this modeling did not meet the statistical confidence thresholds required to predict the impact of this variant on TRPV4 protein function. ClinVar contains an entry for this variant (Variation ID: 1163355). This variant has not been reported in the literature in individuals affected with TRPV4-related conditions. This variant is present in population databases (no rsID available, gnomAD 0.003%). This sequence change replaces arginine, which is basic and polar, with cysteine, which is neutral and slightly polar, at codon 271 of the TRPV4 protein (p.Arg271Cys).

Mayo Clinic Laboratories, Mayo Clinic
Classification: Uncertain significance. Last evaluated: 2019-05-21. Review status: criteria provided, single submitter. Criteria: ACMG Guidelines, 2015. Collection method: clinical testing. Allele origin: germline. Observed: 1 variant allele.

Literature cited by the submitters: PubMed 21964574 (cited by Labcorp Genetics (formerly Invitae), Labcorp).

NM_021625.5(TRPV4):c.811C>T (p.Arg271Cys)

Gene: TRPV4 (transient receptor potential cation channel subfamily V member 4; minus strand). Cytogenetic location: 12q24.11.
Variant type: single nucleotide variant.
Coding change: c.811C>T on transcript NM_021625.5 (MANE Select); coding-DNA position 811, C replaced by T.
Protein change: p.Arg271Cys; replaces arginine 271 with cysteine.
Molecular consequence: missense variant. On other transcripts: intron variant (2).
Genome position (GRCh38, 1-based): chr12:109,800,660, G>A on the plus strand (C>T on the coding strand, the complement: TRPV4 is on the minus strand). VCF-style: chr12-109800660-G-A. GRCh37 (hg19) VCF-style: chr12-110238465-G-A.
Other names: c.709C>T, p.Arg237Cys (NM_001177431.2); c.811C>T, p.Arg271Cys (NM_147204.3); c.713-1748C>T (NM_001177433.1, NM_001177428.1); short protein forms R237C, R271C.
Identifiers: ClinVar variation 1163355 (VCV001163355.8), dbSNP rs1227793261, ClinGen allele CA386655314.
Genomic context (GRCh38, chr12:109,800,660, plus strand): 5'-CACCAGGCCCCTCCTTACCAAAGTAGAAGTAGCCCCCCTCATCCTTGGGCTGGAAGAAGC[G>A]CCCACGGGCCTGGGCGTGGACATCAGCTCCCTGGGCCACGAGAAGTTCCACGTAGTGTTT-3'
Protein context (NP_067638.3, residues 261-281): GADVHAQARG[Arg271Cys]FFQPKDEGGY